The following is an entry in ClinVar:

NM_000810.4(GABRA5):c.1364T>C (p.Ile455Thr)

Gene: GABRA5 (gamma-aminobutyric acid type A receptor subunit alpha5; plus strand). Cytogenetic location: 15q12.
Variant type: single nucleotide variant.
Coding change: c.1364T>C on transcript NM_000810.4 (MANE Select); coding-DNA position 1364, T replaced by C.
Protein change: p.Ile455Thr; replaces isoleucine 455 with threonine.
Molecular consequence: missense variant.
Genome position (GRCh38, 1-based): chr15:26,948,208, T>C. VCF-style: chr15-26948208-T-C. GRCh37 (hg19) VCF-style: chr15-27193355-T-C.
Other names: c.1364T>C, p.Ile455Thr (NM_001165037.2); short protein forms I455T.
Identifiers: ClinVar variation 4854923 (VCV004854923.1).
Genomic context (GRCh38, chr15:26,948,208, plus strand): 5'-TCTTGTTCGGCACTTTCAACTTAGTTTACTGGGCAACGTATTTGAATAGGGAGCCGGTGA[T>C]AAAAGGAGCCGCCTCTCCAAAATAACCGGCCACACTCCCAAACTCCAAGACAGCCATACT-3'
Protein context (NP_000801.1, residues 445-462): WATYLNREPV[Ile455Thr]KGAASPK

ClinVar aggregate classification (germline): Uncertain significance (1 of 4 stars; one submission).

Conditions:
Developmental and epileptic encephalopathy, 79. Also called: EPILEPTIC ENCEPHALOPATHY, EARLY INFANTILE, 79. Identifiers: MedGen C5231410, MONDO:0032813, OMIM 618559.

Submission:

3billion
Classification: Uncertain significance for Developmental and epileptic encephalopathy, 79. Last evaluated: 2025-09-10. Review status: criteria provided, single submitter. Criteria: ACMG Guidelines, 2015. Collection method: clinical testing. Allele origin: germline. Affected: yes.
Comment: The variant is not observed in the gnomAD v4.1.0 dataset. Predicted Consequence/Location: Missense variant. Missense changes are a common disease-causing mechanism. Damaging effect on gene or gene product predicted by in silico programs is uncertain [REVEL: 0.44 (damaging >=0.6, benign <0.4), 3Cnet: 0.29 (damaging >0.75, benign <0.1)]. Therefore, this variant is classified as VUS according to the recommendation of ACMG/AMP guideline.